The following is an entry in ClinVar:

NM_001734.5(C1S):c.1733G>A (p.Arg578His)

Gene: C1S (complement C1s; plus strand). Cytogenetic location: 12p13.31.
Variant type: single nucleotide variant.
Coding change: c.1733G>A on transcript NM_001734.5 (MANE Select); coding-DNA position 1733, G replaced by A.
Protein change: p.Arg578His; replaces arginine 578 with histidine.
Molecular consequence: missense variant.
Genome position (GRCh38, 1-based): chr12:7,070,317, G>A. VCF-style: chr12-7070317-G-A. GRCh37 (hg19) VCF-style: chr12-7177621-G-A.
Other names: c.1733G>A (NM_201442.2); c.1232G>A, p.Arg411His (NM_001346850.2); c.1733G>A, p.Arg578His (NM_201442.4); short protein forms R578H, R411H.
Identifiers: ClinVar variation 1379581 (VCV001379581.8), dbSNP rs145759514, ClinGen allele CA6423834.

ClinVar aggregate classification (germline): Conflicting classifications of pathogenicity. Review status: criteria provided, conflicting classifications (1 of 4 stars). 3 submissions from 3 submitters: Uncertain significance (1); Likely benign (2). Last evaluated 2025-12-19.

Conditions:
Inborn genetic diseases. Identifiers: MedGen C0950123, MeSH D030342.

Allele frequency attached by ClinVar (database versions not stated): ExAC 0.00002; TOPMed 0.00002; gnomAD 0.00003; gnomAD exomes 0.00004 and 0.00005; 1000 Genomes Project 0.00020; 1000 Genomes Project 30x 0.00031.
gnomAD v4.1: 59 of 1,614,246 alleles (0.0037%); highest among the groups gnomAD compares: South Asian, 0.0066%; no homozygotes.

Submissions (3):

Labcorp Genetics (formerly Invitae), Labcorp
Classification: Uncertain significance. Last evaluated: 2025-12-19. Review status: criteria provided, single submitter. Criteria: Invitae Variant Classification Sherloc (09022015). Collection method: clinical testing. Allele origin: germline.
Comment: This sequence change replaces arginine, which is basic and polar, with histidine, which is basic and polar, at codon 578 of the C1S protein (p.Arg578His). This variant is present in population databases (rs145759514, gnomAD 0.03%). This variant has not been reported in the literature in individuals affected with C1S-related conditions. ClinVar contains an entry for this variant (Variation ID: 1379581). Invitae Evidence Modeling of protein sequence and biophysical properties (such as structural, functional, and spatial information, amino acid conservation, physicochemical variation, residue mobility, and thermodynamic stability) indicates that this missense variant is not expected to disrupt C1S protein function with a negative predictive value of 80%. In summary, the available evidence is currently insufficient to determine the role of this variant in disease. Therefore, it has been classified as a Variant of Uncertain Significance.

Blueprint Genetics
Classification: Likely benign. Last evaluated: 2024-07-10. Review status: criteria provided, single submitter. Criteria: ACMG Guidelines, 2015. Collection method: clinical testing. Allele origin: germline.

Ambry Genetics
Classification: Likely benign for Inborn genetic diseases. Last evaluated: 2023-06-06. Review status: criteria provided, single submitter. Criteria: Ambry Variant Classification Scheme 2023. Collection method: clinical testing. Allele origin: germline.